The following is an entry in ClinVar:

ClinVar aggregate classification (germline): Uncertain significance (1 of 4 stars; one submission).

Conditions:
Nephronophthisis 18 (NPHP18). Identifiers: Orphanet 655, MedGen C3890591, MONDO:0014374, OMIM 615862.

Allele frequency attached by ClinVar (database versions not stated): gnomAD exomes below 0.00001; gnomAD 0.00001.
gnomAD v4.1: 2 of 1,613,954 alleles (0.00012%); highest among the groups gnomAD compares: African/African-American, 0.0013%; no homozygotes.

Submission:

Labcorp Genetics (formerly Invitae), Labcorp
Classification: Uncertain significance for Nephronophthisis 18. Last evaluated: 2021-06-02. Review status: criteria provided, single submitter. Criteria: Invitae Variant Classification Sherloc (09022015). Collection method: clinical testing. Allele origin: germline.
Comment: This sequence change replaces leucine with serine at codon 234 of the CEP83 protein (p.Leu234Ser). The leucine residue is highly conserved and there is a large physicochemical difference between leucine and serine. This variant is not present in population databases (ExAC no frequency). This variant has not been reported in the literature in individuals with CEP83-related conditions. Algorithms developed to predict the effect of missense changes on protein structure and function are either unavailable or do not agree on the potential impact of this missense change (SIFT: "Not Available"; PolyPhen-2: "Probably Damaging"; Align-GVGD: "Not Available"). In summary, the available evidence is currently insufficient to determine the role of this variant in disease. Therefore, it has been classified as a Variant of Uncertain Significance.

NM_016122.3(CEP83):c.701T>C (p.Leu234Ser)

Gene: CEP83 (centrosomal protein 83; minus strand). Cytogenetic location: 12q22.
Variant type: single nucleotide variant.
Coding change: c.701T>C on transcript NM_016122.3 (MANE Select); coding-DNA position 701, T replaced by C.
Protein change: p.Leu234Ser; replaces leucine 234 with serine.
Molecular consequence: missense variant. On other transcripts: non-coding transcript variant (3).
Genome position (GRCh38, 1-based): chr12:94,378,891, A>G on the plus strand (T>C on the coding strand, the complement: CEP83 is on the minus strand). VCF-style: chr12-94378891-A-G. GRCh37 (hg19) VCF-style: chr12-94772667-A-G.
Other names: c.701T>C, p.Leu234Ser (NM_001042399.2, NM_001346457.2, NM_001346460.2 and 3 more transcripts); c.389T>C, p.Leu130Ser (NM_001346458.2, NM_001346459.2, NM_001346462.2 and 2 more transcripts); c.476T>C, p.Leu159Ser (NM_001368041.1); c.164T>C, p.Leu55Ser (NM_001368042.1); short protein forms L234S, L55S, L130S, L159S.
Identifiers: ClinVar variation 1493361 (VCV001493361.8), dbSNP rs2061688764, ClinGen allele CA386146807.